The following is an entry in ClinVar:

NM_000261.2(MYOC):c.407G>T (p.Arg136Ile)

Gene: MYOC (myocilin; minus strand). Cytogenetic location: 1q24.3.
Variant type: single nucleotide variant.
Coding change: c.407G>T on transcript NM_000261.2 (MANE Select); coding-DNA position 407, G replaced by T.
Protein change: p.Arg136Ile; replaces arginine 136 with isoleucine.
Molecular consequence: missense variant.
Genome position (GRCh38, 1-based): chr1:171,652,205, C>A on the plus strand (G>T on the coding strand, the complement: MYOC is on the minus strand). VCF-style: chr1-171652205-C-A. GRCh37 (hg19) VCF-style: chr1-171621345-C-A.
Other names: NM_000261.2:c.407G>T; short protein forms R136I.
Identifiers: ClinVar variation 1810375 (VCV001810375.2), dbSNP rs776116208, ClinGen allele CA343718468.
Genomic context (GRCh38, chr1:171,652,205, plus strand): 5'-TTCTCTTCCTCCAGAACTGACTTGTCTCGGAGGAGGTTGCTGTAGGCAGTCTCCAACTCT[C>A]TGGTTTGGGTTTCCAGCTGGTCCCGCTCCCGCCTCAGGGTGCCCAGCTCCCTCTGCAGCC-3'
Protein context (NP_000252.1, residues 126-146): RERDQLETQT[Arg136Ile]ELETAYSNLL

ClinVar aggregate classification (germline): Uncertain significance (3 of 4 stars; one submission).

Conditions:
Open-angle glaucoma. Identifiers: MedGen C0017612, MONDO:0005338, HP:0012108.

Submission:

ClinGen Glaucoma Variant Curation Expert Panel
Classification: Uncertain significance for Open-angle glaucoma. Last evaluated: 2025-12-03. Review status: reviewed by expert panel. Criteria: ClinGen Glaucoma ACMG Specifications V2.0.0 Approved. Collection method: curation. Allele origin: germline. Inheritance: Autosomal dominant inheritance.
Comment: The c.407G>T variant in MYOC is a missense variant predicted to cause substitution of Arginine by Isoleucine at amino acid 136 (p.Arg136Ile). This variant was not found in any genetic ancestry group of gnomAD (v4.1.0), meeting the ≤ 0.0001 threshold set for PM2_Supporting in a genetic ancestry group of at least 10,000 alleles. The REVEL score = 0.062, which was within the 0.017-0.183 range for BP4_Moderate, suggesting that the variant does not impact MYOC function. There was no functional evidence predicting a damaging or benign impact of this variant on MYOC function. Only 1 proband with juvenile open angle glaucoma had been reported (PMID: 39998747), not meeting the ≥ 2 probands threshold required to meet PS4_Supporting. In summary, this variant met the criteria to receive a score of -1 and to be classified as a variant of uncertain significance (uncertain significance classification range -1 to 5, adapted from PMID: 32720330) for juvenile open angle glaucoma based on the ACMG/AMP criteria met, as specified by the ClinGen Glaucoma VCEP (v2.0.0, 5 Dec 2024): BP4_Moderate, PM2_Supporting